The following is an entry in ClinVar:

ClinVar aggregate classification (germline): Uncertain significance (1 of 4 stars; one submission).

Conditions:
Developmental and epileptic encephalopathy, 31A. Also called: Epileptic encephalopathy, early infantile, 31; Developmental and epileptic encephalopathy, 31. Identifiers: Orphanet 2382, MedGen C4225357, MONDO:0014598, OMIM 616346.

Submission:

Labcorp Genetics (formerly Invitae), Labcorp
Classification: Uncertain significance for Developmental and epileptic encephalopathy, 31A. Last evaluated: 2019-07-30. Review status: criteria provided, single submitter. Criteria: Invitae Variant Classification Sherloc (09022015). Collection method: clinical testing. Allele origin: germline.
Comment: This variant has not been reported in the literature in individuals with DNM1-related conditions. In summary, the available evidence is currently insufficient to determine the role of this variant in disease. Therefore, it has been classified as a Variant of Uncertain Significance. Algorithms developed to predict the effect of missense changes on protein structure and function are either unavailable or do not agree on the potential impact of this missense change (SIFT: "Deleterious"; PolyPhen-2: "Benign"; Align-GVGD: "Class C0"). This variant is not present in population databases (ExAC no frequency). This sequence change replaces proline with leucine at codon 117 of the DNM1 protein (p.Pro117Leu). The proline residue is highly conserved and there is a moderate physicochemical difference between proline and leucine.

NM_004408.4(DNM1):c.350C>T (p.Pro117Leu)

Genes: DNM1 (dynamin 1; plus strand), LOC113839516 (Sharpr-MPRA regulatory region 8497; plus strand). Cytogenetic location: 9q34.11.
Variant type: single nucleotide variant.
Coding change: c.350C>T on transcript NM_004408.4 (MANE Select); coding-DNA position 350, C replaced by T.
Protein change: p.Pro117Leu; replaces proline 117 with leucine.
Molecular consequence: missense variant.
Genome position (GRCh38, 1-based): chr9:128,218,696, C>T. VCF-style: chr9-128218696-C-T. GRCh37 (hg19) VCF-style: chr9-130980975-C-T.
Other names: c.350C>T, p.Pro117Leu (NM_001005336.3, NM_001288737.2, NM_001288738.2 and 2 more transcripts); short protein forms P117L.
Identifiers: ClinVar variation 944468 (VCV000944468.10), dbSNP rs776104715, ClinGen allele CA375010782.